The following is an entry in ClinVar:

ClinVar aggregate classification (germline): Uncertain significance (1 of 4 stars; one submission).

Conditions:
Ehlers-Danlos syndrome, musculocontractural type (EDSMC). Also called: Adducted thumb, clubfoot, progressive joint and skin laxity syndrome; ADDUCTED THUMB-CLUBFOOT SYNDROME; ARTHROGRYPOSIS, DISTAL, WITH PECULIAR FACIES AND HYDRONEPHROSIS; DUNDAR SYNDROME. Identifiers: Orphanet 2953, MedGen C1866294, MONDO:0011142.

Submission:

Labcorp Genetics (formerly Invitae), Labcorp
Classification: Uncertain significance for Ehlers-Danlos syndrome, musculocontractural type. Last evaluated: 2023-06-15. Review status: criteria provided, single submitter. Criteria: Invitae Variant Classification Sherloc (09022015). Collection method: clinical testing. Allele origin: germline.
Comment: This sequence change replaces arginine, which is basic and polar, with glycine, which is neutral and non-polar, at codon 29 of the CHST14 protein (p.Arg29Gly). In summary, the available evidence is currently insufficient to determine the role of this variant in disease. Therefore, it has been classified as a Variant of Uncertain Significance. Algorithms developed to predict the effect of missense changes on protein structure and function output the following: SIFT: "Not Available"; PolyPhen-2: "Possibly Damaging"; Align-GVGD: "Not Available". The glycine amino acid residue is found in multiple mammalian species, which suggests that this missense change does not adversely affect protein function. This variant has not been reported in the literature in individuals affected with CHST14-related conditions. This variant is not present in population databases (gnomAD no frequency).

NM_130468.4(CHST14):c.85A>G (p.Arg29Gly)

Genes: CHST14 (carbohydrate sulfotransferase 14; plus strand), LOC130056851 (ATAC-STARR-seq lymphoblastoid silent region 6336; plus strand). Cytogenetic location: 15q15.1.
Variant type: single nucleotide variant.
Coding change: c.85A>G on transcript NM_130468.4 (MANE Select); coding-DNA position 85, A replaced by G.
Protein change: p.Arg29Gly; replaces arginine 29 with glycine.
Molecular consequence: missense variant.
Genome position (GRCh38, 1-based): chr15:40,471,298, A>G. VCF-style: chr15-40471298-A-G. GRCh37 (hg19) VCF-style: chr15-40763497-A-G.
Other names: short protein forms R29G.
Identifiers: ClinVar variation 2778855 (VCV002778855.3), dbSNP rs2543005274, ClinGen allele CA391762135.